The following is an entry in ClinVar:

NM_007199.3(IRAK3):c.799C>T (p.Arg267Ter)

Gene: IRAK3 (interleukin 1 receptor associated kinase 3; plus strand). Cytogenetic location: 12q14.3.
Variant type: single nucleotide variant.
Coding change: c.799C>T on transcript NM_007199.3 (MANE Select); coding-DNA position 799, C replaced by T.
Protein change: p.Arg267Ter; replaces arginine 267 with a stop codon.
Molecular consequence: nonsense.
Genome position (GRCh38, 1-based): chr12:66,228,282, C>T. VCF-style: chr12-66228282-C-T. GRCh37 (hg19) VCF-style: chr12-66622062-C-T.
Other names: c.616C>T, p.Arg206Ter (NM_001142523.2); short protein forms R267*, R206*.
Identifiers: ClinVar variation 422424 (VCV000422424.3), dbSNP rs367600113, ClinGen allele CA6672759.
Genomic context (GRCh38, chr12:66,228,282, plus strand): 5'-CAACCAAACCAATTGCTGTTGTTGTTTTAGGGTGACACGGCCCCACTCCCTTGGCACATT[C>T]GAATCGGTATATTAATAGGAATATCCAAAGCCATTCACTACCTGCACAACGTTCAACCAT-3'

ClinVar aggregate classification (germline): Uncertain significance (1 of 4 stars; one submission).

Allele frequency attached by ClinVar (database versions not stated): gnomAD 0.00001; gnomAD exomes 0.00002 and 0.00003; TOPMed 0.00002; ExAC 0.00003; ESP Exome Variant Server 0.00008.
gnomAD v4.1: 52 of 1,613,952 alleles (0.0032%); highest among the groups gnomAD compares: Middle Eastern, 0.066%; 1 homozygote.

Submission:

GeneDx
Classification: Uncertain significance. Last evaluated: 2019-04-11. Review status: criteria provided, single submitter. Criteria: GeneDx Variant Classification Process June 2021. Collection method: clinical testing. Allele origin: germline. Affected: yes.
Comment: Nonsense variant predicted to result in protein truncation or nonsense mediated decay in a gene for which loss-of-function is a known mechanism of disease; Has not been previously published as pathogenic or benign to our knowledge; This variant is associated with the following publications: (PMID: 31589614)